The following is an entry in ClinVar:

ClinVar aggregate classification (germline): Likely pathogenic (1 of 4 stars; one submission).

Conditions:
Retinal dystrophy. Also called: Inherited retinal dystrophy. Identifiers: Orphanet 71862, MedGen C0854723, MeSH D058499, MONDO:0019118, HP:0000556.

Submission:

Ophthalmic Genetics Group, Institute of Molecular and Clinical Ophthalmology Basel
Classification: Likely pathogenic for Retinal dystrophy. Last evaluated: 2024-05-27. Review status: criteria provided, single submitter. Criteria: ACMG Guidelines, 2015. Collection method: research. Allele origin: germline. Affected: yes. Observed: 2 variant alleles.
Comment: This variant was classified as Likely pathogenic based on ACMG criteria: PM2_mod, PM4_mod and PP1_strong

Literature cited by the submitters: PubMed 40180963.

NM_006343.3(MERTK):c.601_609del (p.Lys201_Pro203del)

Gene: MERTK (MER proto-oncogene, tyrosine kinase; plus strand). Cytogenetic location: 2q13.
Variant type: Deletion.
Coding change: c.601_609del on transcript NM_006343.3 (MANE Select); coding-DNA positions 601 to 609, 9 bases deleted (AAGCAGCCT; older notation c.601_609delAAGCAGCCT).
Protein change: p.Lys201_Pro203del.
Molecular consequence: inframe deletion.
Genome position (GRCh38, 1-based): chr2:111,947,411-111,947,419, AAGCAGCCT deleted; deleting any 9 consecutive bases within chr2:111,947,409-111,947,419 gives the same sequence; the c. name uses the placement nearest the transcript's 3' end. VCF-style (leftmost placement, unchanged base first): chr2-111947408-ACTAAGCAGC-A. GRCh37 (hg19) VCF-style: chr2-112704985-ACTAAGCAGC-A.
Other names: NC_000002.11:g.112704988_112704996del; NP_006334.2:p.(Lys201_Pro203del).
Identifiers: ClinVar variation 3381807 (VCV003381807.2).